The following is an entry in ClinVar:

ClinVar aggregate classification (germline): Uncertain significance (1 of 4 stars; one submission).

gnomAD v4.1: 7 of 1,614,192 alleles (0.00043%); highest among the groups gnomAD compares: South Asian, 0.0033%; no homozygotes.

Submission:

Labcorp Genetics (formerly Invitae), Labcorp
Classification: Uncertain significance. Last evaluated: 2022-02-05. Review status: criteria provided, single submitter. Criteria: Invitae Variant Classification Sherloc (09022015). Collection method: clinical testing. Allele origin: germline.
Comment: This sequence change replaces arginine, which is basic and polar, with glutamine, which is neutral and polar, at codon 2900 of the SZT2 protein (p.Arg2900Gln). In summary, the available evidence is currently insufficient to determine the role of this variant in disease. Therefore, it has been classified as a Variant of Uncertain Significance. Algorithms developed to predict the effect of missense changes on protein structure and function are either unavailable or do not agree on the potential impact of this missense change (SIFT: "Tolerated"; PolyPhen-2: "Probably Damaging"; Align-GVGD: "Class C0"). ClinVar contains an entry for this variant (Variation ID: 647417). This variant has not been reported in the literature in individuals affected with SZT2-related conditions. This variant is present in population databases (rs371683327, gnomAD 0.01%).

NM_001365999.1(SZT2):c.8870G>A (p.Arg2957Gln)

Gene: SZT2 (SZT2 subunit of KICSTOR complex; plus strand). Cytogenetic location: 1p34.2.
Variant type: single nucleotide variant.
Coding change: c.8870G>A on transcript NM_001365999.1 (MANE Select); coding-DNA position 8870, G replaced by A.
Protein change: p.Arg2957Gln; replaces arginine 2957 with glutamine.
Molecular consequence: missense variant.
Genome position (GRCh38, 1-based): chr1:43,445,938, G>A. VCF-style: chr1-43445938-G-A. GRCh37 (hg19) VCF-style: chr1-43911609-G-A.
Other names: c.8699G>A, p.Arg2900Gln (NM_015284.4); short protein forms R2900Q, R2957Q.
Identifiers: ClinVar variation 647417 (VCV000647417.6), dbSNP rs371683327, ClinGen allele CA810728.
Genomic context (GRCh38, chr1:43,445,938, plus strand): 5'-TCCTCCTTTTCTATAGCACCAGCCGGCCACGGGCCATGGCTATCCTTGGAACAGAGGGTC[G>A]AGGCTCCTTCTCCTGCCCTAAAACCAAGACTGATGGGAGCCCCAAGGTAACTTGTCATAT-3'
Protein context (NP_001352928.1, residues 2947-2967): RAMAILGTEG[Arg2957Gln]GSFSCPKTKT